The following is an entry in ClinVar:

ClinVar aggregate classification (germline): Uncertain significance (1 of 4 stars; one submission).

Conditions:
Intellectual developmental disorder 62. Also called: MENTAL RETARDATION, AUTOSOMAL DOMINANT 62; INTELLECTUAL DEVELOPMENTAL DISORDER, AUTOSOMAL DOMINANT 62. Identifiers: MedGen C5394083, MONDO:0032919, OMIM 618793.

gnomAD v4.1: 12 of 1,605,298 alleles (0.00075%); highest among the groups gnomAD compares: African/African-American, 0.0013%; no homozygotes.

Submission:

MVZ Medizinische Genetik Mainz
Classification: Uncertain significance for Intellectual developmental disorder 62. Last evaluated: 2024-06-07. Review status: criteria provided, single submitter. Criteria: UK Practice Guidelines For Variant Classification V4 01 2020. Collection method: clinical testing. Allele origin: germline. Inheritance: Autosomal dominant inheritance. Affected: yes. Observed: 1 variant allele.
Comment: ACMG Criteria: PM1_SUP,PM2_SUP,BP4

NM_001321075.3(DLG4):c.532G>A (p.Val178Ile)

Gene: DLG4 (discs large MAGUK scaffold protein 4; minus strand). Cytogenetic location: 17p13.1.
Variant type: single nucleotide variant.
Coding change: c.532G>A on transcript NM_001321075.3 (MANE Select); coding-DNA position 532, G replaced by A.
Protein change: p.Val178Ile; replaces valine 178 with isoleucine.
Molecular consequence: missense variant. On other transcripts: non-coding transcript variant (1).
Genome position (GRCh38, 1-based): chr17:7,203,303, C>T on the plus strand (G>A on the coding strand, the complement: DLG4 is on the minus strand). VCF-style: chr17-7203303-C-T. GRCh37 (hg19) VCF-style: chr17-7106622-C-T.
Other names: c.523G>A, p.Val175Ile (NM_001128827.4); c.652G>A, p.Val218Ile (NM_001321074.1); c.352G>A, p.Val118Ile (NM_001321076.3, NM_001321077.3); c.661G>A, p.Val221Ile (NM_001365.5); c.451G>A, p.Val151Ile (NM_001369566.3); short protein forms V118I, V151I, V175I, V178I, V218I, V221I.
Identifiers: ClinVar variation 4526557 (VCV004526557.1).